The following is an entry in ClinVar:

NM_001244008.2(KIF1A):c.4256+192del

Gene: KIF1A (kinesin family member 1A; minus strand). Cytogenetic location: 2q37.3.
Variant type: Deletion.
Coding change: c.4256+192del on transcript NM_001244008.2 (MANE Select); 192 bases into the intron after coding-DNA position 4256, one base deleted (T; older notation c.4256+192delT).
Molecular consequence: intron variant.
Genome position (GRCh38, 1-based): chr2:240,725,079, A deleted on the plus strand (T on the coding strand, the reverse complement: KIF1A is on the minus strand). VCF-style (leftmost placement, unchanged base first): chr2-240725078-CA-C. GRCh37 (hg19) VCF-style: chr2-241664495-CA-C.
Other names: c.3953+192del (NM_001379653.1, NM_001379650.1, NM_001379641.1 and 2 more transcripts); c.4229+192del (NM_001379645.1, NM_001379633.1); c.4079+192del (NM_001379635.1, NM_001379646.1); c.3950+192del (NM_001379640.1); c.3977+192del (NM_001379639.1); c.3980+192del (NM_001379649.1, NM_001320705.2); c.4067+192del (NM_001379636.1); c.4232+192del (NM_001379632.1); and 7 more.
Identifiers: ClinVar variation 682846 (VCV000682846.1), dbSNP rs34304629, ClinGen allele CA68139933.

ClinVar aggregate classification (germline): Benign (1 of 4 stars; one submission).

Allele frequency attached by ClinVar (database versions not stated): 1000 Genomes Project 30x 0.13944; 1000 Genomes Project 0.14157; TOPMed 0.18526; gnomAD 0.19756 and 0.19968.

Submission:

GeneDx
Classification: Benign. Last evaluated: 2018-06-14. Review status: criteria provided, single submitter. Criteria: GeneDx Variant Classification (06012015). Collection method: clinical testing. Allele origin: germline. Affected: yes.
Comment: This variant is considered likely benign or benign based on one or more of the following criteria: it is a conservative change, it occurs at a poorly conserved position in the protein, it is predicted to be benign by multiple in silico algorithms, and/or has population frequency not consistent with disease.